The following is an entry in ClinVar:

ClinVar aggregate classification (germline): Uncertain significance (1 of 4 stars; one submission).

Allele frequency attached by ClinVar (database versions not stated): gnomAD exomes 0.00001 and below 0.00001; ExAC 0.00001.
gnomAD v4.1: 6 of 1,553,426 alleles (0.00039%); highest among the groups gnomAD compares: Non-Finnish European, 0.00052%; no homozygotes.

Submission:

Labcorp Genetics (formerly Invitae), Labcorp
Classification: Uncertain significance. Last evaluated: 2025-07-07. Review status: criteria provided, single submitter. Criteria: Invitae Variant Classification Sherloc (09022015). Collection method: clinical testing. Allele origin: germline.
Comment: This sequence change replaces glycine, which is neutral and non-polar, with serine, which is neutral and polar, at codon 305 of the IFT81 protein (p.Gly305Ser). The frequency data for this variant in the population databases is considered unreliable, as metrics indicate poor data quality at this position in the gnomAD database. This variant has not been reported in the literature in individuals affected with IFT81-related conditions. ClinVar contains an entry for this variant (Variation ID: 1399153). Invitae Evidence Modeling of protein sequence and biophysical properties (such as structural, functional, and spatial information, amino acid conservation, physicochemical variation, residue mobility, and thermodynamic stability) indicates that this missense variant is not expected to disrupt IFT81 protein function with a negative predictive value of 80%. In summary, the available evidence is currently insufficient to determine the role of this variant in disease. Therefore, it has been classified as a Variant of Uncertain Significance.

NM_014055.4(IFT81):c.913G>A (p.Gly305Ser)

Gene: IFT81 (intraflagellar transport 81; plus strand). Cytogenetic location: 12q24.11.
Variant type: single nucleotide variant.
Coding change: c.913G>A on transcript NM_014055.4 (MANE Select); coding-DNA position 913, G replaced by A.
Protein change: p.Gly305Ser; replaces glycine 305 with serine.
Molecular consequence: missense variant. On other transcripts: non-coding transcript variant (3), intron variant (2).
Genome position (GRCh38, 1-based): chr12:110,143,513, G>A. VCF-style: chr12-110143513-G-A. GRCh37 (hg19) VCF-style: chr12-110581318-G-A.
Other names: c.913G>A, p.Gly305Ser (NM_001143779.2, NM_001347946.2, NM_031473.4); c.16-3440G>A (NM_001347948.2, NM_001347947.2); short protein forms G305S.
Identifiers: ClinVar variation 1399153 (VCV001399153.6), dbSNP rs771215887, ClinGen allele CA6783211.